The following is an entry in ClinVar:

NC_000021.8:g.(?_47859976)_(47862506_?)del

Gene: PCNT (pericentrin; plus strand). Cytogenetic location: 21q22.3.
Variant type: Deletion.
Identifiers: ClinVar variation 2425469 (VCV002425469.4).

ClinVar aggregate classification (germline): Pathogenic (1 of 4 stars; one submission).

Submission:

Labcorp Genetics (formerly Invitae), Labcorp
Classification: Pathogenic. Last evaluated: 2022-06-27. Review status: criteria provided, single submitter. Criteria: Invitae Variant Classification Sherloc (09022015). Collection method: clinical testing. Allele origin: germline.
Comment: For these reasons, this variant has been classified as Pathogenic. This variant has not been reported in the literature in individuals affected with PCNT-related conditions. This variant is a gross deletion of the genomic region encompassing exon(s) 42-44 of the PCNT gene. This deletion is out-of-frame, and is expected to create a premature termination codon and result in an absent or disrupted protein product. Loss-of-function variants in PCNT are known to be pathogenic (PMID: 18174396, 22821869).

Literature cited by the submitters: PubMed 18174396; PubMed 22821869.